The following is an entry in ClinVar:

NM_000346.4(SOX9):c.1262_1278del (p.Ser421fs)

Gene: SOX9 (SRY-box transcription factor 9; plus strand). Cytogenetic location: 17q24.3.
Variant type: Deletion.
Coding change: c.1262_1278del on transcript NM_000346.4 (MANE Select); coding-DNA positions 1262 to 1278, 17 bases deleted (GCCCCTTCAACCTCCCA).
Protein change: p.Ser421fs; shifts the reading frame from serine 421.
Molecular consequence: frameshift variant.
Genome position (GRCh38, 1-based): chr17:72,124,119-72,124,135, GCCCCTTCAACCTCCCA deleted; deleting any 17 consecutive bases within chr17:72,124,117-72,124,135 gives the same sequence; the c. name uses the placement nearest the transcript's 3' end. VCF-style (leftmost placement, unchanged base first): chr17-72124116-ACAGCCCCTTCAACCTCC-A. GRCh37 (hg19) VCF-style: chr17-70120257-ACAGCCCCTTCAACCTCC-A.
Other names: c.1262_1278delGCCCCTTCAACCTCCCA (NM_000346.3); short protein forms S421fs.
Identifiers: ClinVar variation 372514 (VCV000372514.2), dbSNP rs1057517827, ClinGen allele CA16043004.

ClinVar aggregate classification (germline): Pathogenic (1 of 4 stars; one submission).

Submission:

GeneDx
Classification: Pathogenic. Last evaluated: 2016-05-27. Review status: criteria provided, single submitter. Criteria: GeneDx Variant Classification (06012015). Collection method: clinical testing. Allele origin: germline. Affected: yes.
Comment: The c.1262_1278del17 pathogenic variant in the SOX9 gene has not been reported previously as a pathogenic variant nor as a benign variant, to our knowledge. This frameshift pathogenic variant replaces the typical last 89 amino acid residues in the SOX9 protein with 150 different amino acid residues. This change is expected to alter the normal structure and function of the resultant protein. The c.1262_1278del17 variant was not observed in approximately 6500 individuals of European and African American ancestry in the NHLBI Exome Sequencing Project, indicating it is not a common benign variant in these populations. We interpret c.1262_1278del17 as a pathogenic variant.